The following is an entry in ClinVar:

ClinVar aggregate classification (germline): Uncertain significance (1 of 4 stars; one submission).

Conditions:
Familial thoracic aortic aneurysm and aortic dissection (TAAD). Also called: Thoracic aortic aneurysms and dissections. Identifiers: Orphanet 91387, MedGen C4707243, MONDO:0019625.

Allele frequency attached by ClinVar (database versions not stated): TOPMed 0.00001.

Submission:

Ambry Genetics
Classification: Uncertain significance for Familial thoracic aortic aneurysm and aortic dissection. Last evaluated: 2022-10-27. Review status: criteria provided, single submitter. Criteria: Ambry Variant Classification Scheme 2023. Collection method: clinical testing. Allele origin: germline.
Comment: The p.Q130H variant (also known as c.390G>C), located in coding exon 3 of the MYLK gene, results from a G to C substitution at nucleotide position 390. The glutamine at codon 130 is replaced by histidine, an amino acid with highly similar properties. This amino acid position is conserved. In addition, this alteration is predicted to be tolerated by in silico analysis. Since supporting evidence is limited at this time, the clinical significance of this alteration remains unclear.

NM_053025.4(MYLK):c.390G>C (p.Gln130His)

Gene: MYLK (myosin light chain kinase; minus strand). Cytogenetic location: 3q21.1.
Variant type: single nucleotide variant.
Coding change: c.390G>C on transcript NM_053025.4 (MANE Select); coding-DNA position 390, G replaced by C.
Protein change: p.Gln130His; replaces glutamine 130 with histidine.
Molecular consequence: missense variant. On other transcripts: 5 prime UTR variant (1).
Genome position (GRCh38, 1-based): chr3:123,739,985, C>G on the plus strand (G>C on the coding strand, the complement: MYLK is on the minus strand). VCF-style: chr3-123739985-C-G. GRCh37 (hg19) VCF-style: chr3-123458832-C-G.
Other names: c.-139G>C (NM_001321309.2); c.390G>C, p.Gln130His (NM_053026.4, NM_053027.4, NM_053028.4); short protein forms Q130H.
Identifiers: ClinVar variation 1736111 (VCV001736111.2), dbSNP rs2062808533, ClinGen allele CA354242152.